The following is an entry in ClinVar:

ClinVar aggregate classification (germline): Uncertain significance (1 of 4 stars; one submission).

Allele frequency attached by ClinVar (database versions not stated): gnomAD 0.00001; gnomAD exomes 0.00001; TOPMed 0.00001.
gnomAD v4.1: 5 of 1,391,118 alleles (0.00036%); highest among the groups gnomAD compares: Non-Finnish European, 0.00037%; no homozygotes.

Submission:

Labcorp Genetics (formerly Invitae), Labcorp
Classification: Uncertain significance. Last evaluated: 2023-10-03. Review status: criteria provided, single submitter. Criteria: Invitae Variant Classification Sherloc (09022015). Collection method: clinical testing. Allele origin: germline.
Comment: This sequence change replaces alanine, which is neutral and non-polar, with valine, which is neutral and non-polar, at codon 8 of the DEAF1 protein (p.Ala8Val). This variant is not present in population databases (gnomAD no frequency). This variant has not been reported in the literature in individuals affected with DEAF1-related conditions. ClinVar contains an entry for this variant (Variation ID: 1373849). Advanced modeling of protein sequence and biophysical properties (such as structural, functional, and spatial information, amino acid conservation, physicochemical variation, residue mobility, and thermodynamic stability) performed at Invitae indicates that this missense variant is not expected to disrupt DEAF1 protein function. In summary, the available evidence is currently insufficient to determine the role of this variant in disease. Therefore, it has been classified as a Variant of Uncertain Significance.

NM_021008.4(DEAF1):c.23C>T (p.Ala8Val)

Gene: DEAF1 (DEAF1 transcription factor; minus strand). Cytogenetic location: 11p15.5.
Variant type: single nucleotide variant.
Coding change: c.23C>T on transcript NM_021008.4 (MANE Select); coding-DNA position 23, C replaced by T.
Protein change: p.Ala8Val; replaces alanine 8 with valine.
Molecular consequence: missense variant. On other transcripts: intron variant (1).
Genome position (GRCh38, 1-based): chr11:695,025, G>A on the plus strand (C>T on the coding strand, the complement: DEAF1 is on the minus strand). VCF-style: chr11-695025-G-A. GRCh37 (hg19) VCF-style: chr11-695025-G-A.
Other names: c.23C>T, p.Ala8Val (NM_001293634.2); c.-437-3427C>T (NM_001367390.1); short protein forms A8V.
Identifiers: ClinVar variation 1373849 (VCV001373849.8), dbSNP rs1189593669, ClinGen allele CA378941382.